The following is an entry in ClinVar:

NM_006494.4(ERF):c.70T>G (p.Ser24Ala)

Gene: ERF (ETS2 repressor factor; minus strand). Cytogenetic location: 19q13.2.
Variant type: single nucleotide variant.
Coding change: c.70T>G on transcript NM_006494.4 (MANE Select); coding-DNA position 70, T replaced by G.
Protein change: p.Ser24Ala; replaces serine 24 with alanine.
Molecular consequence: missense variant. On other transcripts: 5 prime UTR variant (3).
Genome position (GRCh38, 1-based): chr19:42,250,518, A>C on the plus strand (T>G on the coding strand, the complement: ERF is on the minus strand). VCF-style: chr19-42250518-A-C. GRCh37 (hg19) VCF-style: chr19-42754670-A-C.
Other names: c.-156T>G (NM_001301035.2, NM_001308402.2, NM_001312656.2); short protein forms S24A.
Identifiers: ClinVar variation 2632995 (VCV002632995.1), dbSNP rs2513525878, ClinGen allele CA406115834.

ClinVar aggregate classification (germline): Uncertain significance (1 of 4 stars; one submission).

Conditions:
ERF-related disorder. Also called: ERF-related condition; ERF-related disorders.

Submission:

PreventionGenetics, part of Exact Sciences
Classification: Uncertain significance for ERF-related condition. Last evaluated: 2023-05-26. Review status: criteria provided, single submitter. Criteria: ACMG Guidelines, 2015. Collection method: clinical testing. Allele origin: germline.
Comment: The ERF c.70T>G variant is predicted to result in the amino acid substitution p.Ser24Ala. To our knowledge, this variant has not been reported in the literature or in a large population database, indicating this variant is rare. At this time, the clinical significance of this variant is uncertain due to the absence of conclusive functional and genetic evidence.